The following is an entry in ClinVar:

NC_000013.10:g.(52549305_52585422)_(52585631_?)del

Gene: ATP7B (ATPase copper transporting beta; minus strand). Cytogenetic location: 13q14.3.
Variant type: Deletion.
Identifiers: ClinVar variation 1677083 (VCV001677083.1).

ClinVar aggregate classification (germline): Likely pathogenic (1 of 4 stars; one submission).

Conditions:
Wilson disease (WND). Also called: Wilson's disease. Identifiers: Orphanet 905, MedGen C0019202, MONDO:0010200, OMIM 277900. Disease mechanism: loss of function.

Submission:

Women's Health and Genetics/Laboratory Corporation of America, LabCorp
Classification: Likely pathogenic for Wilson disease. Last evaluated: 2022-03-02. Review status: criteria provided, single submitter. Criteria: LabCorp Variant Classification Summary - May 2015. Collection method: clinical testing. Allele origin: germline.
Comment: Variant summary: The variant identified by MLPA or other technology involves the deletion of exon 1 that contains the canonical translation initiation codon of the ATP7B gene. A presumed nomenclature of c.(?_-158)_(51+1_52-1)del has been designated for the purposes of this classification. Although exact breakpoints of this deletion are not known, it is expected to result in an absent or shortened protein product, a known mechanism of disease. A similar deletion that includes exon 1 of the ATP7B gene, and extends upstream from the ATP7B gene about 120 kbp (covering 3 other genes (i.e. ALG11, UTP14C, NEK5)) was found at a frequency of 4.6e-05 (i.e 1 allele) in 21694 control chromosomes (gnomAD structural variants dataset). A variant, described as c.(?_-1627)_(51+1_52-1)del (i.e. an 8.7 Kb deletion, including the promoter, 5'UTR, exon 1 and part of intron 1) has been reported in one individual affected with Wilson Disease, who carried a splice site acceptor variant in trans (transcript analysis showed skipping of exon 20) (Sanchez-Monteagudo_2020). To our knowledge, no experimental evidence demonstrating an impact on protein function has been reported. One clinical diagnostic laboratory has submitted clinical-significance assessments for this variant to ClinVar after 2014 , and classified the variant as pathogenic. Based on the evidence outlined above, the variant was classified as likely pathogenic.

Literature cited by the submitters: PubMed 32043565.